The following is an entry in ClinVar:

NM_000059.4(BRCA2):c.5933T>C (p.Phe1978Ser)

Gene: BRCA2 (BRCA2 DNA repair associated; plus strand). Cytogenetic location: 13q13.1.
Variant type: single nucleotide variant.
Coding change: c.5933T>C on transcript NM_000059.4 (MANE Select); coding-DNA position 5933, T replaced by C.
Protein change: p.Phe1978Ser; replaces phenylalanine 1978 with serine.
Molecular consequence: missense variant.
Genome position (GRCh38, 1-based): chr13:32,340,288, T>C. VCF-style: chr13-32340288-T-C. GRCh37 (hg19) VCF-style: chr13-32914425-T-C.
Other names: c.5933T>C, p.Phe1978Ser (NM_001406719.1, NM_001406720.1); short protein forms F1978S.
Identifiers: ClinVar variation 1750587 (VCV001750587.6), dbSNP rs2137522439, ClinGen allele CA387787554.

ClinVar aggregate classification (germline): Conflicting classifications of pathogenicity. Review status: criteria provided, conflicting classifications (1 of 4 stars). 3 submissions from 3 submitters: Uncertain significance (2); Likely benign (1). Last evaluated 2024-03-12.

Conditions:
Hereditary breast ovarian cancer syndrome. Also called: Hereditary breast and ovarian cancer; BRCA1- and BRCA2-Associated Hereditary Breast and Ovarian Cancer; Hereditary breast and ovarian cancer syndrome (HBOC); Hereditary breast and ovarian cancer syndrome; Breast and ovarian cancer; Hereditary breast and/or ovarian cancer syndrome. Identifiers: Orphanet 145, MedGen C0677776, MeSH D061325, MONDO:0003582. Disease mechanism: loss of function.
Hereditary cancer-predisposing syndrome. Also called: Hereditary Cancer Syndrome; Hereditary neoplastic syndrome; Neoplastic Syndromes, Hereditary; Tumor predisposition. Identifiers: Orphanet 140162, MedGen C0027672, MeSH D009386, MONDO:0015356.

Submissions (3):

Labcorp Genetics (formerly Invitae), Labcorp
Classification: Uncertain significance for Hereditary breast ovarian cancer syndrome. Last evaluated: 2024-03-12. Review status: criteria provided, single submitter. Criteria: Invitae Variant Classification Sherloc (09022015). Collection method: clinical testing. Allele origin: germline.
Comment: This sequence change replaces phenylalanine, which is neutral and non-polar, with serine, which is neutral and polar, at codon 1978 of the BRCA2 protein (p.Phe1978Ser). This variant is not present in population databases (gnomAD no frequency). This variant has not been reported in the literature in individuals affected with BRCA2-related conditions. ClinVar contains an entry for this variant (Variation ID: 1750587). Advanced modeling of protein sequence and biophysical properties (such as structural, functional, and spatial information, amino acid conservation, physicochemical variation, residue mobility, and thermodynamic stability) has been performed at Invitae for this missense variant, however the output from this modeling did not meet the statistical confidence thresholds required to predict the impact of this variant on BRCA2 protein function. In summary, the available evidence is currently insufficient to determine the role of this variant in disease. Therefore, it has been classified as a Variant of Uncertain Significance.

University of Washington Department of Laboratory Medicine, University of Washington
Classification: Likely benign for Hereditary cancer-predisposing syndrome. Last evaluated: 2023-03-23. Review status: criteria provided, single submitter. Criteria: Dines et al. (Genet Med. 2020). Collection method: curation. Allele origin: germline.
Comment: Missense variant in a coldspot region where missense variants are very unlikely to be pathogenic (PMID:31911673).

BRCA2 exon 11 coldspot. Reclassification based on statistical prior probability.

Ambry Genetics
Classification: Uncertain significance for Hereditary cancer-predisposing syndrome. Last evaluated: 2020-01-08. Review status: criteria provided, single submitter. Criteria: Ambry Variant Classification Scheme 2023. Collection method: clinical testing. Allele origin: germline.
Comment: The p.F1978S variant (also known as c.5933T>C), located in coding exon 10 of the BRCA2 gene, results from a T to C substitution at nucleotide position 5933. The phenylalanine at codon 1978 is replaced by serine, an amino acid with highly dissimilar properties. This amino acid position is highly conserved in available vertebrate species. In addition, this alteration is predicted to be deleterious by in silico analysis. Since supporting evidence is limited at this time, the clinical significance of this alteration remains unclear.